The following is an entry in ClinVar:

ClinVar aggregate classification (germline): Uncertain significance. Review status: criteria provided, multiple submitters, no conflicts (2 of 4 stars). 5 submissions from 5 submitters: Uncertain significance (3). 2 of the submissions do not count toward it. Last evaluated 2025-04-30.

Conditions:
Inborn genetic diseases. Identifiers: MedGen C0950123, MeSH D030342.
Usher syndrome type 1 (USH1). Also called: RETINITIS PIGMENTOSA AND CONGENITAL DEAFNESS. Identifiers: Orphanet 231169, Orphanet 886, MedGen C1568247, MONDO:0010168, OMIM 276900.
Autosomal recessive nonsyndromic hearing loss 2. Also called: DEAFNESS, AUTOSOMAL RECESSIVE 2; NEUROSENSORY NONSYNDROMIC RECESSIVE DEAFNESS 2. Identifiers: Orphanet 90636, MedGen C1838701, MONDO:0010807, OMIM 600060.
Usher syndrome type 1B (USH1B). Also called: Usher syndrome type IB. Identifiers: MedGen C1848638, MONDO:0700087.

Allele frequency attached by ClinVar (database versions not stated): gnomAD 0.00001; gnomAD exomes 0.00001.
gnomAD v4.1: 9 of 1,613,816 alleles (0.00056%); highest among the groups gnomAD compares: Middle Eastern, 0.017%; no homozygotes.

Submissions (5):

Ambry Genetics
Classification: Uncertain significance for Inborn genetic diseases. Last evaluated: 2025-04-30. Review status: criteria provided, single submitter. Criteria: Ambry Variant Classification Scheme 2023. Collection method: clinical testing. Allele origin: germline.

GeneDx
Classification: Uncertain significance. Last evaluated: 2019-07-22. Review status: criteria provided, single submitter. Criteria: GeneDx Variant Classification Process June 2021. Collection method: clinical testing. Allele origin: germline. Affected: yes.
Comment: Not observed in large population cohorts (Lek et al., 2016); In silico analysis, which includes protein predictors and evolutionary conservation, supports a deleterious effect; Has not been previously published as pathogenic or benign to our knowledge

Laboratory for Molecular Medicine, Mass General Brigham Personalized Medicine
Classification: Uncertain significance. Last evaluated: 2009-11-24. Review status: criteria provided, single submitter. Criteria: LMM Criteria. Collection method: clinical testing. Allele origin: germline. Observed: 1 variant allele.

Natera, Inc.
Classification: Uncertain significance for Usher syndrome type 1B. Last evaluated: 2020-10-04. Review status: no assertion criteria provided. Collection method: clinical testing. Allele origin: germline. Not counted in ClinVar's aggregate classification.

Counsyl
Classification: Uncertain significance for Usher syndrome type 1; Autosomal recessive nonsyndromic hearing loss 2. Last evaluated: 2017-08-18. Review status: no assertion criteria provided. Collection method: clinical testing. Allele origin: unknown. Not counted in ClinVar's aggregate classification.

NM_000260.4(MYO7A):c.484G>A (p.Ala162Thr)

Gene: MYO7A (myosin VIIA; plus strand). Cytogenetic location: 11q13.5.
Variant type: single nucleotide variant.
Coding change: c.484G>A on transcript NM_000260.4 (MANE Select); coding-DNA position 484, G replaced by A.
Protein change: p.Ala162Thr; replaces alanine 162 with threonine.
Molecular consequence: missense variant.
Genome position (GRCh38, 1-based): chr11:77,156,673, G>A. VCF-style: chr11-77156673-G-A. GRCh37 (hg19) VCF-style: chr11-76867719-G-A.
Other names: c.484G>A, p.Ala162Thr (NM_001127180.2); c.451G>A, p.Ala151Thr (NM_001369365.1); short protein forms A162T, A151T.
Identifiers: ClinVar variation 43262 (VCV000043262.10), dbSNP rs111033485, ClinGen allele CA132357.